The following is an entry in ClinVar:

ClinVar aggregate classification (germline): Uncertain significance (1 of 4 stars; one submission).

Submission:

Labcorp Genetics (formerly Invitae), Labcorp
Classification: Uncertain significance. Last evaluated: 2025-04-20. Review status: criteria provided, single submitter. Criteria: Invitae Variant Classification Sherloc (09022015). Collection method: clinical testing. Allele origin: germline.
Comment: This sequence change replaces alanine, which is neutral and non-polar, with threonine, which is neutral and polar, at codon 427 of the CTNNA1 protein (p.Ala427Thr). This variant is not present in population databases (gnomAD no frequency). This variant has not been reported in the literature in individuals affected with CTNNA1-related conditions. ClinVar contains an entry for this variant (Variation ID: 1038684). Invitae Evidence Modeling of protein sequence and biophysical properties (such as structural, functional, and spatial information, amino acid conservation, physicochemical variation, residue mobility, and thermodynamic stability) indicates that this missense variant is not expected to disrupt CTNNA1 protein function with a negative predictive value of 80%. In summary, the available evidence is currently insufficient to determine the role of this variant in disease. Therefore, it has been classified as a Variant of Uncertain Significance.

NM_001903.5(CTNNA1):c.1279G>A (p.Ala427Thr)

Gene: CTNNA1 (catenin alpha 1; plus strand). Cytogenetic location: 5q31.2.
Variant type: single nucleotide variant.
Coding change: c.1279G>A on transcript NM_001903.5 (MANE Select); coding-DNA position 1279, G replaced by A.
Protein change: p.Ala427Thr; replaces alanine 427 with threonine.
Molecular consequence: missense variant. On other transcripts: 5 prime UTR variant (5), intron variant (2).
Genome position (GRCh38, 1-based): chr5:138,887,625, G>A. VCF-style: chr5-138887625-G-A. GRCh37 (hg19) VCF-style: chr5-138223314-G-A.
Other names: c.1279G>A, p.Ala427Thr (NM_001290307.3, NM_001323982.2, NM_001323983.1 and 3 more transcripts); c.970G>A, p.Ala324Thr (NM_001290309.3); c.910G>A, p.Ala304Thr (NM_001290310.3); c.169G>A, p.Ala57Thr (NM_001290312.1, NM_001323987.1, NM_001323988.1 and 18 more transcripts); c.-229G>A (NM_001324006.1, NM_001324007.1, NM_001324008.1 and 1 more transcripts); c.-104G>A (NM_001324013.1); c.-58+12028G>A (NM_001324012.1); c.-61+12028G>A (NM_001324010.1); short protein forms A304T, A57T, A324T, A427T.
Identifiers: ClinVar variation 1038684 (VCV001038684.8), dbSNP rs1754360812, ClinGen allele CA361133239.
Genomic context (GRCh38, chr5:138,887,625, plus strand): 5'-GCTGCAAAGAATGGAAATGAGAAAGAAGTTAAGGAGTATGCCCAAGTTTTCCGTGAACAT[G>A]CCAACAAATTGATTGAGGTAAGTGAATTAGCAGTTTCATTGACTTGTAGGCAACTTGGTG-3'
Protein context (NP_001894.2, residues 417-437): KEYAQVFREH[Ala427Thr]NKLIEVANLA